The following is an entry in ClinVar:

ClinVar aggregate classification (germline): Uncertain significance (1 of 4 stars; one submission).

Conditions:
Charcot-Marie-Tooth disease type 2. Also called: Charcot-Marie-Tooth type 2. Identifiers: Orphanet 64746, MedGen C0270914, MONDO:0018993.

Submission:

Labcorp Genetics (formerly Invitae), Labcorp
Classification: Uncertain significance for Charcot-Marie-Tooth disease type 2. Last evaluated: 2024-02-16. Review status: criteria provided, single submitter. Criteria: Invitae Variant Classification Sherloc (09022015). Collection method: clinical testing. Allele origin: germline.
Comment: This variant, c.1143_1148delinsGTTCAG, is a complex sequence change that results in the deletion of 3 and insertion of 3 amino acid(s) in the BSCL2 protein (p.Ser381_Glu383delinsArgPheArg). Information on the frequency of this variant in the gnomAD database is not available, as this variant may be reported differently in the database. This variant has not been reported in the literature in individuals affected with BSCL2-related conditions. Experimental studies and prediction algorithms are not available or were not evaluated, and the functional significance of this variant is currently unknown. In summary, the available evidence is currently insufficient to determine the role of this variant in disease. Therefore, it has been classified as a Variant of Uncertain Significance.

NM_001122955.4(BSCL2):c.1335_1340delinsGTTCAG (p.Ser445_Glu447delinsArgPheArg)

Genes: BSCL2 (BSCL2 lipid droplet biogenesis associated, seipin; minus strand), HNRNPUL2-BSCL2 (HNRNPUL2-BSCL2 readthrough (NMD candidate); minus strand). Cytogenetic location: 11q12.3.
Variant type: Indel.
Coding change: c.1335_1340delinsGTTCAG on transcript NM_001122955.4 (MANE Select); coding-DNA positions 1335 to 1340, CTCTGA replaced by GTTCAG.
Protein change: p.Ser445_Glu447delinsArgPheArg.
Molecular consequence: missense variant. On other transcripts: non-coding transcript variant (1), 3 prime UTR variant (1).
Genome position (GRCh38, 1-based): chr11:62,690,416-62,690,421, TCAGAG replaced by CTGAAC on the plus strand (CTCTGA replaced by GTTCAG on the coding strand, the reverse complement: BSCL2 is on the minus strand). VCF-style: chr11-62690416-TCAGAG-CTGAAC. GRCh37 (hg19) VCF-style: chr11-62457888-TCAGAG-CTGAAC.
Other names: c.*137_*142delinsGTTCAG (NM_001130702.2); c.1341_1346delinsGTTCAG, p.Ser447_Glu449delinsArgPheArg (NM_001386027.1); c.1335_1340delinsGTTCAG, p.Ser445_Glu447delinsArgPheArg (NM_001386028.1); c.1143_1148delinsGTTCAG, p.Ser381_Glu383delinsArgPheArg (NM_032667.6).
Identifiers: ClinVar variation 3641629 (VCV003641629.2).